The following is an entry in ClinVar:

ClinVar aggregate classification (germline): Uncertain significance. Review status: criteria provided, multiple submitters, no conflicts (2 of 4 stars). 2 submissions from 2 submitters: Uncertain significance (2). Last evaluated 2025-05-16.

Conditions:
Baller-Gerold syndrome (BGS). Also called: CRANIOSYNOSTOSIS WITH RADIAL DEFECTS. Identifiers: Orphanet 1225, MedGen C0265308, MONDO:0009039, OMIM 218600.
Inborn genetic diseases. Identifiers: MedGen C0950123, MeSH D030342.

Allele frequency attached by ClinVar (database versions not stated): TOPMed below 0.00001.

Submissions (2):

Ambry Genetics
Classification: Uncertain significance for Inborn genetic diseases. Last evaluated: 2025-05-16. Review status: criteria provided, single submitter. Criteria: Ambry Variant Classification Scheme 2023. Collection method: clinical testing. Allele origin: germline.
Comment: The p.R108W variant (also known as c.322C>T), located in coding exon 4 of the RECQL4 gene, results from a C to T substitution at nucleotide position 322. The arginine at codon 108 is replaced by tryptophan, an amino acid with dissimilar properties. This amino acid position is conserved. In addition, the in silico prediction for this alteration is inconclusive. Based on the available evidence, the clinical significance of this variant remains unclear.

Labcorp Genetics (formerly Invitae), Labcorp
Classification: Uncertain significance for Baller-Gerold syndrome. Last evaluated: 2024-02-12. Review status: criteria provided, single submitter. Criteria: Invitae Variant Classification Sherloc (09022015). Collection method: clinical testing. Allele origin: germline.
Comment: This sequence change replaces arginine, which is basic and polar, with tryptophan, which is neutral and slightly polar, at codon 108 of the RECQL4 protein (p.Arg108Trp). This variant is not present in population databases (gnomAD no frequency). This variant has not been reported in the literature in individuals affected with RECQL4-related conditions. ClinVar contains an entry for this variant (Variation ID: 2230586). Advanced modeling of protein sequence and biophysical properties (such as structural, functional, and spatial information, amino acid conservation, physicochemical variation, residue mobility, and thermodynamic stability) performed at Invitae indicates that this missense variant is expected to disrupt RECQL4 protein function with a positive predictive value of 80%. In summary, the available evidence is currently insufficient to determine the role of this variant in disease. Therefore, it has been classified as a Variant of Uncertain Significance.

NM_004260.4(RECQL4):c.322C>T (p.Arg108Trp)

Gene: RECQL4 (RecQ like helicase 4; minus strand). Cytogenetic location: 8q24.3.
Variant type: single nucleotide variant.
Coding change: c.322C>T on transcript NM_004260.4 (MANE Select); coding-DNA position 322, C replaced by T.
Protein change: p.Arg108Trp; replaces arginine 108 with tryptophan.
Molecular consequence: missense variant.
Genome position (GRCh38, 1-based): chr8:144,517,082, G>A on the plus strand (C>T on the coding strand, the complement: RECQL4 is on the minus strand). VCF-style: chr8-144517082-G-A. GRCh37 (hg19) VCF-style: chr8-145742466-G-A.
Other names: c.322C>T, p.Arg108Trp (NM_001413017.1, NM_001413018.1, NM_001413019.1 and 5 more transcripts); c.-399C>T (NM_001413021.1); c.-750C>T (NM_001413022.1, NM_001413023.1, NM_001413037.1 and 3 more transcripts); c.-647C>T (NM_001413024.1, NM_001413035.1); c.193C>T, p.Arg65Trp (NM_001413025.1); c.-812C>T (NM_001413027.1, NM_001413030.1, NM_001413031.1 and 1 more transcripts); c.-475C>T (NM_001413028.1); c.-709C>T (NM_001413032.1); and 2 more; short protein forms R108W, R65W.
Identifiers: ClinVar variation 2230586 (VCV002230586.6), dbSNP rs1815227217, ClinGen allele CA372691992.